The following is an entry in ClinVar:

ClinVar aggregate classification (germline): Pathogenic/Likely pathogenic. Review status: criteria provided, multiple submitters, no conflicts (2 of 4 stars). 2 submissions from 2 submitters: Pathogenic (1); Likely pathogenic (1). Last evaluated 2025-11-24.

Conditions:
Congenital myotonia, autosomal recessive form. Also called: BECKER DISEASE; Becker Generalized Myotonia; myotonia congenita, autosomal recessive. Identifiers: Orphanet 614, MedGen C0751360, MONDO:0009715, OMIM 255700.
Congenital myotonia, autosomal dominant form (THD). Also called: THOMSEN DISEASE; Myotonia congenita autosomal dominant. Identifiers: Orphanet 614, MedGen C2936781, MONDO:0008055, OMIM 160800.

gnomAD v4.1: 1 of 1,613,746 alleles (0.000062%); highest among the groups gnomAD compares: East Asian, 0.0022%; no homozygotes.

Submissions (2):

Labcorp Genetics (formerly Invitae), Labcorp
Classification: Pathogenic for Congenital myotonia, autosomal recessive form; Congenital myotonia, autosomal dominant form. Last evaluated: 2025-11-24. Review status: criteria provided, single submitter. Criteria: Invitae Variant Classification Sherloc (09022015). Collection method: clinical testing. Allele origin: germline.
Comment: This sequence change creates a premature translational stop signal (p.Gln13*) in the CLCN1 gene. It is expected to result in an absent or disrupted protein product. Loss-of-function variants in CLCN1 are known to be pathogenic (PMID: 17932099, 22094069, 23739125). This variant is not present in population databases (gnomAD no frequency). This variant has not been reported in the literature in individuals affected with CLCN1-related conditions. ClinVar contains an entry for this variant (Variation ID: 3340660). For these reasons, this variant has been classified as Pathogenic.

GeneDx
Classification: Likely pathogenic. Last evaluated: 2024-01-02. Review status: criteria provided, single submitter. Criteria: GeneDx Variant Classification Process June 2021. Collection method: clinical testing. Allele origin: germline. Affected: yes.
Comment: Nonsense variant predicted to result in protein truncation or nonsense mediated decay in a gene for which loss-of-function is a known mechanism of disease; Not observed at significant frequency in large population cohorts (gnomAD); Has not been previously published as pathogenic or benign to our knowledge

Literature cited by the submitters: PubMed 17932099 (cited by Labcorp Genetics (formerly Invitae), Labcorp); PubMed 22094069 (cited by Labcorp Genetics (formerly Invitae), Labcorp); PubMed 23739125 (cited by Labcorp Genetics (formerly Invitae), Labcorp).

NM_000083.3(CLCN1):c.37C>T (p.Gln13Ter)

Gene: CLCN1 (chloride voltage-gated channel 1; plus strand). Cytogenetic location: 7q34.
Variant type: single nucleotide variant.
Coding change: c.37C>T on transcript NM_000083.3 (MANE Select); coding-DNA position 37, C replaced by T.
Protein change: p.Gln13Ter; replaces glutamine 13 with a stop codon.
Molecular consequence: nonsense. On other transcripts: non-coding transcript variant (1).
Genome position (GRCh38, 1-based): chr7:143,316,249, C>T. VCF-style: chr7-143316249-C-T. GRCh37 (hg19) VCF-style: chr7-143013342-C-T.
Other names: short protein forms Q13*.
Identifiers: ClinVar variation 3340660 (VCV003340660.2).